The following is an entry in ClinVar:

NM_020812.4(DOCK6):c.3895-6C>A

Genes: DOCK6 (dedicator of cytokinesis 6; minus strand), DOCK6-AS1 (DOCK6 antisense RNA 1; plus strand). Cytogenetic location: 19p13.2.
Variant type: single nucleotide variant.
Coding change: c.3895-6C>A on transcript NM_020812.4 (MANE Select); 6 bases into the intron before coding-DNA position 3895, C replaced by A.
Molecular consequence: intron variant.
Genome position (GRCh38, 1-based): chr19:11,215,933, G>T on the plus strand (C>A on the coding strand, the complement: DOCK6 is on the minus strand). VCF-style: chr19-11215933-G-T. GRCh37 (hg19) VCF-style: chr19-11326609-G-T.
Other names: c.4000-6C>A (NM_001367830.1).
Identifiers: ClinVar variation 1926386 (VCV001926386.5), dbSNP rs769672715, ClinGen allele CA9207067.

ClinVar aggregate classification (germline): Uncertain significance (1 of 4 stars; one submission).

Allele frequency attached by ClinVar (database versions not stated): TOPMed 0.00001; ExAC 0.00002.
gnomAD v4.1: 2 of 1,613,628 alleles (0.00012%); highest among the groups gnomAD compares: Admixed American, 0.0033%; no homozygotes.

Submission:

Labcorp Genetics (formerly Invitae), Labcorp
Classification: Uncertain significance. Last evaluated: 2022-08-24. Review status: criteria provided, single submitter. Criteria: Invitae Variant Classification Sherloc (09022015). Collection method: clinical testing. Allele origin: germline.
Comment: This sequence change falls in intron 30 of the DOCK6 gene. It does not directly change the encoded amino acid sequence of the DOCK6 protein. This variant is present in population databases (rs769672715, gnomAD 0.006%). This variant has not been reported in the literature in individuals affected with DOCK6-related conditions. Algorithms developed to predict the effect of sequence changes on RNA splicing suggest that this variant may disrupt the consensus splice site. In summary, the available evidence is currently insufficient to determine the role of this variant in disease. Therefore, it has been classified as a Variant of Uncertain Significance.